The following is an entry in ClinVar:

ClinVar aggregate classification (germline): Uncertain significance (1 of 4 stars; one submission).

Submission:

GeneDx
Classification: Uncertain significance. Last evaluated: 2023-05-09. Review status: criteria provided, single submitter. Criteria: GeneDx Variant Classification Process June 2021. Collection method: clinical testing. Allele origin: germline. Affected: yes.
Comment: Not observed at significant frequency in large population cohorts (gnomAD); In silico analysis supports that this missense variant does not alter protein structure/function; Has not been previously published as pathogenic or benign to our knowledge

NM_004973.4(JARID2):c.290C>T (p.Ser97Phe)

Gene: JARID2 (jumonji and AT-rich interaction domain containing 2; plus strand). Cytogenetic location: 6p22.3.
Variant type: single nucleotide variant.
Coding change: c.290C>T on transcript NM_004973.4 (MANE Select); coding-DNA position 290, C replaced by T.
Protein change: p.Ser97Phe; replaces serine 97 with phenylalanine.
Molecular consequence: missense variant. On other transcripts: 5 prime UTR variant (1).
Genome position (GRCh38, 1-based): chr6:15,410,332, C>T. VCF-style: chr6-15410332-C-T. GRCh37 (hg19) VCF-style: chr6-15410563-C-T.
Other names: c.-227C>T (NM_001267040.1); short protein forms S97F.
Identifiers: ClinVar variation 2662150 (VCV002662150.1), dbSNP rs2481718884, ClinGen allele CA362868732.
Genomic context (GRCh38, chr6:15,410,332, plus strand): 5'-AGTCAGAGAATGAAAAGGACGATGCATCCCAAGTGTCCTCCACTAGCAACGATGTTAGTT[C>T]TTCAGATTTTGAAGAAGGGCCGTCGAGGAAAAGGTTAGTACCCAAGGCTGAAAATATTGG-3'
Protein context (NP_004964.2, residues 87-107): QVSSTSNDVS[Ser97Phe]SDFEEGPSRK